The following is an entry in ClinVar:

ClinVar aggregate classification (germline): Likely pathogenic. Review status: criteria provided, single submitter (1 of 4 stars). 2 submissions from 2 submitters: Likely pathogenic (1). 1 of the submissions does not count toward it. Last evaluated 2026-09-01.

Conditions:
Hypophosphatasia. Also called: Phosphoethanol-aminuria. Identifiers: Orphanet 436, MedGen C0020630, MeSH D007014, MONDO:0018570.
Decreased circulating alkaline phosphatase activity. Identifiers: MedGen C1860130, HP:0003282.

Allele frequency attached by ClinVar (database versions not stated): gnomAD exomes below 0.00001.
gnomAD v4.1: 1 of 1,613,874 alleles (0.000062%); highest among the groups gnomAD compares: Non-Finnish European, 0.000085%; no homozygotes.

Submissions (2):

Genomenon, Inc
Classification: Likely pathogenic for Hypophosphatasia. Last evaluated: 2026-09-01. Review status: criteria provided, single submitter. Criteria: Genomenon Sequence Variant Interpretation Standards - Updated. Collection method: curation. Allele origin: germline. Affected: no.
Comment: ALPL p.Ser403Cys (c.1207A>T) is a missense variant that changes the amino acid at codon 403 from Serine to Cysteine. To our knowledge, this variant has not been reported in patients affected with an ALPL-related disorder in the published literature. At least one functional study has demonstrated a substantial alteration in protein function relative to the wild-type (PMID:32160374). It is absent or not present at a significant frequency in gnomAD. In silico models predict that this variant is possibly or probably damaging. In conclusion, we classify ALPL p.Ser403Cys (c.1207A>T) as a likely pathogenic variant.

Institute of Human Genetics, University of Wuerzburg
Classification: Uncertain significance for Decreased circulating alkaline phosphatase activity. Review status: no assertion criteria provided. Collection method: clinical testing. Allele origin: unknown. Not counted in ClinVar's aggregate classification.

Literature cited by the submitters: PubMed 32160374 (cited by Genomenon, Inc).

NM_000478.6(ALPL):c.1207A>T (p.Ser403Cys)

Gene: ALPL (alkaline phosphatase, biomineralization associated; plus strand). Cytogenetic location: 1p36.12.
Variant type: single nucleotide variant.
Coding change: c.1207A>T on transcript NM_000478.6 (MANE Select); coding-DNA position 1207, A replaced by T.
Protein change: p.Ser403Cys; replaces serine 403 with cysteine.
Molecular consequence: missense variant.
Genome position (GRCh38, 1-based): chr1:21,576,539, A>T. VCF-style: chr1-21576539-A-T. GRCh37 (hg19) VCF-style: chr1-21903032-A-T.
Other names: c.1042A>T, p.Ser348Cys (NM_001127501.4); c.976A>T, p.Ser326Cys (NM_001177520.3); c.1207A>T, p.Ser403Cys (NM_001369803.2, NM_001369804.2, NM_001369805.2); short protein forms S403C, S326C, S348C.
Identifiers: ClinVar variation 446467 (VCV000446467.2), dbSNP rs1216428237, ClinGen allele CA338881677.